The following is an entry in ClinVar:

NM_004006.3(DMD):c.9238dup (p.Thr3080fs)

Gene: DMD (dystrophin; minus strand). Cytogenetic location: Xp21.2.
Variant type: Duplication.
Coding change: c.9238dup on transcript NM_004006.3 (MANE Select); coding-DNA position 9238, one base duplicated (A; older notation c.9238dupA).
Protein change: p.Thr3080fs; shifts the reading frame from threonine 3080.
Molecular consequence: frameshift variant.
Genome position (GRCh38, 1-based): chrX:31,261,003, T duplicated on the plus strand (A on the coding strand, the reverse complement: DMD is on the minus strand); the first of 3 consecutive T bases (chrX:31,261,003-31,261,005); duplicating any one gives the same sequence. VCF-style (leftmost placement, unchanged base first): chrX-31261002-G-GT. GRCh37 (hg19) VCF-style: chrX-31279119-G-GT.
Other names: c.9214dup, p.Thr3072fs (NM_000109.4); c.9226dup, p.Thr3076fs (NM_004009.3); c.8869dup, p.Thr2957fs (NM_004010.3); c.5215dup, p.Thr1739fs (NM_004011.4); c.5206dup, p.Thr1736fs (NM_004012.4); c.1858dup, p.Thr620fs (NM_004013.3, NM_004020.4, NM_004021.3 and 2 more transcripts); c.1051dup, p.Thr351fs (NM_004014.3); c.34dup, p.Thr12fs (NM_004015.3, NM_004016.3, NM_004017.3 and 2 more transcripts); short protein forms T12fs, T1736fs, T1739fs, T2957fs, T3072fs, T3076fs, T3080fs, T351fs.
Identifiers: ClinVar variation 1526093 (VCV001526093.1), dbSNP rs2147649419, ClinGen allele CA2573158745.

ClinVar aggregate classification (germline): Likely pathogenic (1 of 4 stars; one submission).

Conditions:
Duchenne muscular dystrophy (DMD). Also called: MUSCULAR DYSTROPHY, PSEUDOHYPERTROPHIC PROGRESSIVE, DUCHENNE TYPE; Duchenne Muscular Dystrophy (DMD). Identifiers: Orphanet 98896, MedGen C0013264, MONDO:0010679, OMIM 310200.

Submission:

3billion
Classification: Likely pathogenic for Duchenne muscular dystrophy. Last evaluated: 2022-03-22. Review status: criteria provided, single submitter. Criteria: ACMG Guidelines, 2015. Collection method: clinical testing. Allele origin: germline. Affected: yes. Observed: 1 hemizygote.
Comment: Frameshift: predicted to result in a loss or disruption of normal protein function through nonsense-mediated decay (NMD) or protein truncation. Multiple pathogenic variants are reported downstream of the variant.It is not observed in the gnomAD v2.1.1 dataset. Therefore, this variant is classified as likely pathogenic according to the recommendation of ACMG/AMP guideline.